The following is an entry in ClinVar:

ClinVar aggregate classification (germline): Uncertain significance (1 of 4 stars; one submission).

gnomAD v4.1: 3 of 1,613,404 alleles (0.00019%); highest among the groups gnomAD compares: Non-Finnish European, 0.00025%; no homozygotes.

Submission:

Mayo Clinic Laboratories, Mayo Clinic
Classification: Uncertain significance. Last evaluated: 2024-02-13. Review status: criteria provided, single submitter. Criteria: ACMG Guidelines, 2015. Collection method: clinical testing. Allele origin: germline. Observed: 1 variant allele.
Comment: PM2

NM_000081.4(LYST):c.6917G>A (p.Gly2306Glu)

Gene: LYST (lysosomal trafficking regulator; minus strand). Cytogenetic location: 1q42.3.
Variant type: single nucleotide variant.
Coding change: c.6917G>A on transcript NM_000081.4 (MANE Select); coding-DNA position 6917, G replaced by A.
Protein change: p.Gly2306Glu; replaces glycine 2306 with glutamic acid.
Molecular consequence: missense variant.
Genome position (GRCh38, 1-based): chr1:235,757,423, C>T on the plus strand (G>A on the coding strand, the complement: LYST is on the minus strand). VCF-style: chr1-235757423-C-T. GRCh37 (hg19) VCF-style: chr1-235920723-C-T.
Other names: p.Gly2306Glu; c.6917G>A, p.Gly2306Glu (NM_001301365.1); short protein forms G2306E.
Identifiers: ClinVar variation 3380775 (VCV003380775.1).
Genomic context (GRCh38, chr1:235,757,423, plus strand): 5'-ACATCTTCAAGCAAAACATCAGGCAGGATAAGAAGAACCCCACTTAGGAGTTCATATAAT[C>T]CACAGCATATAGGTACCAAACAGTCTTCAGTTACACTAAAACAGAGACCAAAAAAGTCTT-3'
Protein context (NP_000072.2, residues 2296-2316): TEDCLVPICC[Gly2306Glu]LYELLSGVLL